The following is an entry in ClinVar:

NM_001367721.1(CASK):c.356+1827C>T

Gene: CASK (calcium/calmodulin dependent serine protein kinase; minus strand). Cytogenetic location: Xp11.4.
Variant type: single nucleotide variant.
Coding change: c.356+1827C>T on transcript NM_001367721.1 (MANE Select); 1827 bases into the intron after coding-DNA position 356, C replaced by T.
Molecular consequence: intron variant.
Genome position (GRCh38, 1-based): chrX:41,743,697, G>A on the plus strand (C>T on the coding strand, the complement: CASK is on the minus strand). VCF-style: chrX-41743697-G-A. GRCh37 (hg19) VCF-style: chrX-41602950-G-A.
Other names: c.356+1827C>T (NM_001126055.3, NM_001410745.1, NM_001126054.3 and 1 more transcripts).
Identifiers: ClinVar variation 3256838 (VCV003256838.2).

ClinVar aggregate classification (germline): Benign (1 of 4 stars; one submission).

gnomAD v4.1: 57,392 of 295,547 alleles (19%); highest among the groups gnomAD compares: Middle Eastern, 30%; 4,599 homozygotes.

Submission:

Unidad de Genómica Garrahan, Hospital de Pediatría Garrahan
Classification: Benign. Last evaluated: 2024-07-31. Review status: criteria provided, single submitter. Criteria: ACMG Guidelines, 2015. Collection method: clinical testing. Allele origin: germline. Affected: no. Observed: 19 variant alleles.
Comment: This variant is classified as Benign based on local population frequency. This variant was detected in 20% of patients studied in a panel designed for Epileptic and Developmental Encephalopathy, Progressive Myoclonus Epilepsy and Abnormal Movements and Neurodegeneration with brain iron accumulation. Number of patients: 19. Only high quality variants are reported.